The following is an entry in ClinVar:

ClinVar aggregate classification (germline): Uncertain significance (1 of 4 stars; one submission).

Conditions:
Intellectual developmental disorder, autosomal dominant 6, with or without seizures. Also called: GRIN2B-related developmental delay, intellectual disability and autism spectrum disorder; Intellectual disability, autosomal dominant 6. Identifiers: Orphanet 589547, MedGen C3151411, MONDO:0013509, OMIM 613970.
Developmental and epileptic encephalopathy, 27 (DEE27). Also called: Epileptic encephalopathy, early infantile, 27; GRIN2B-Related Neurodevelopmental Disorder. Identifiers: Orphanet 3451, MedGen C4015316, MONDO:0014505, OMIM 616139.

Allele frequency attached by ClinVar (database versions not stated): gnomAD exomes below 0.00001; ExAC 0.00001.
gnomAD v4.1: 2 of 1,614,092 alleles (0.00012%); highest among the groups gnomAD compares: Non-Finnish European, 0.00017%; no homozygotes.

Submission:

Labcorp Genetics (formerly Invitae), Labcorp
Classification: Uncertain significance for Developmental and epileptic encephalopathy, 27; Intellectual developmental disorder, autosomal dominant 6, with or without seizures. Last evaluated: 2023-07-30. Review status: criteria provided, single submitter. Criteria: Invitae Variant Classification Sherloc (09022015). Collection method: clinical testing. Allele origin: germline.
Comment: In summary, the available evidence is currently insufficient to determine the role of this variant in disease. Therefore, it has been classified as a Variant of Uncertain Significance. Advanced modeling of protein sequence and biophysical properties (such as structural, functional, and spatial information, amino acid conservation, physicochemical variation, residue mobility, and thermodynamic stability) has been performed at Invitae for this missense variant, however the output from this modeling did not meet the statistical confidence thresholds required to predict the impact of this variant on GRIN2B protein function. This variant has not been reported in the literature in individuals affected with GRIN2B-related conditions. This variant is present in population databases (rs753848286, gnomAD 0.0009%). This sequence change replaces methionine, which is neutral and non-polar, with threonine, which is neutral and polar, at codon 89 of the GRIN2B protein (p.Met89Thr).

NM_000834.5(GRIN2B):c.266T>C (p.Met89Thr)

Gene: GRIN2B (glutamate ionotropic receptor NMDA type subunit 2B; minus strand). Cytogenetic location: 12p13.1.
Variant type: single nucleotide variant.
Coding change: c.266T>C on transcript NM_000834.5 (MANE Select); coding-DNA position 266, T replaced by C.
Protein change: p.Met89Thr; replaces methionine 89 with threonine.
Molecular consequence: missense variant.
Genome position (GRCh38, 1-based): chr12:13,865,943, A>G on the plus strand (T>C on the coding strand, the complement: GRIN2B is on the minus strand). VCF-style: chr12-13865943-A-G. GRCh37 (hg19) VCF-style: chr12-14018877-A-G.
Other names: c.266T>C, p.Met89Thr (NM_001413992.1, NM_001413993.1, NM_001413994.1 and 1 more transcripts); short protein forms M89T.
Identifiers: ClinVar variation 2950480 (VCV002950480.3), dbSNP rs753848286, ClinGen allele CA6461440.